The following is an entry in ClinVar:

ClinVar aggregate classification (germline): Uncertain significance. Review status: criteria provided, multiple submitters, no conflicts (2 of 4 stars). 4 submissions from 4 submitters: Uncertain significance (4). Last evaluated 2025-12-31.

Conditions:
Retinal dystrophy. Also called: Inherited retinal dystrophy. Identifiers: Orphanet 71862, MedGen C0854723, MeSH D058499, MONDO:0019118, HP:0000556.
Retinitis pigmentosa (RP). Identifiers: Orphanet 791, MedGen C0035334, MeSH D012174, MONDO:0019200, OMIM 268000. Inheritance: Autosomal dominant, autosomal recessive and X linked inheritance.

Allele frequency attached by ClinVar (database versions not stated): gnomAD exomes 0.00004 and 0.00005; ExAC 0.00007; gnomAD 0.00007 and 0.00008; ESP Exome Variant Server 0.00008; TOPMed 0.00011; 1000 Genomes Project 30x 0.00016; 1000 Genomes Project 0.00020.
gnomAD v4.1: 66 of 1,613,886 alleles (0.0041%); highest among the groups gnomAD compares: East Asian, 0.029%; no homozygotes.

Submissions (4):

Labcorp Genetics (formerly Invitae), Labcorp
Classification: Uncertain significance. Last evaluated: 2025-12-31. Review status: criteria provided, single submitter. Criteria: Invitae Variant Classification Sherloc (09022015). Collection method: clinical testing. Allele origin: germline.
Comment: This sequence change replaces arginine, which is basic and polar, with cysteine, which is neutral and slightly polar, at codon 207 of the ZNF513 protein (p.Arg207Cys). This variant is present in population databases (rs140620118, gnomAD 0.03%). This variant has not been reported in the literature in individuals affected with ZNF513-related conditions. ClinVar contains an entry for this variant (Variation ID: 335557). An algorithm developed to predict the effect of missense changes on protein structure and function (PolyPhen-2) suggests that this variant is likely to be disruptive. In summary, the available evidence is currently insufficient to determine the role of this variant in disease. Therefore, it has been classified as a Variant of Uncertain Significance.

Blueprint Genetics
Classification: Uncertain significance. Last evaluated: 2024-10-10. Review status: criteria provided, single submitter. Criteria: ACMG Guidelines, 2015. Collection method: clinical testing. Allele origin: germline.

Dept Of Ophthalmology, Nagoya University
Classification: Uncertain significance for Retinal dystrophy. Last evaluated: 2023-10-01. Review status: criteria provided, single submitter. Criteria: Submitter's publication. Collection method: research. Allele origin: germline. Affected: yes.

Illumina Laboratory Services, Illumina
Classification: Uncertain significance for Retinitis pigmentosa. Last evaluated: 2018-01-12. Review status: criteria provided, single submitter. Criteria: ICSL Variant Classification Criteria 13 December 2019. Collection method: clinical testing. Allele origin: germline.

NM_144631.6(ZNF513):c.619C>T (p.Arg207Cys)

Gene: ZNF513 (zinc finger protein 513; minus strand). Cytogenetic location: 2p23.3.
Variant type: single nucleotide variant.
Coding change: c.619C>T on transcript NM_144631.6 (MANE Select); coding-DNA position 619, C replaced by T.
Protein change: p.Arg207Cys; replaces arginine 207 with cysteine.
Molecular consequence: missense variant.
Genome position (GRCh38, 1-based): chr2:27,378,647, G>A on the plus strand (C>T on the coding strand, the complement: ZNF513 is on the minus strand). VCF-style: chr2-27378647-G-A. GRCh37 (hg19) VCF-style: chr2-27601514-G-A.
Other names: c.433C>T, p.Arg145Cys (NM_001201459.2); short protein forms R207C, R145C.
Identifiers: ClinVar variation 335557 (VCV000335557.15), dbSNP rs140620118, ClinGen allele CA1578016.